The following is an entry in ClinVar:

ClinVar aggregate classification (germline): Likely benign. Review status: criteria provided, multiple submitters, no conflicts (2 of 4 stars). 2 submissions from 2 submitters: Likely benign (2). Last evaluated 2025-01-12.

Conditions:
Developmental and epileptic encephalopathy 94 (DEE94). Also called: Epileptic encephalopathy, childhood-onset; CHD2-Related Neurodevelopmental Disorders. Identifiers: Orphanet 1942, Orphanet 2382, MedGen C3809278, MONDO:0014150, OMIM 615369.

Allele frequency attached by ClinVar (database versions not stated): gnomAD 0.00001; gnomAD exomes 0.00001; TOPMed 0.00001; ExAC 0.00002.
gnomAD v4.1: 21 of 1,614,048 alleles (0.0013%); highest among the groups gnomAD compares: Non-Finnish European, 0.0016%; no homozygotes.

Submissions (2):

Labcorp Genetics (formerly Invitae), Labcorp
Classification: Likely benign for Developmental and epileptic encephalopathy 94. Last evaluated: 2025-01-12. Review status: criteria provided, single submitter. Criteria: Invitae Variant Classification Sherloc (09022015). Collection method: clinical testing. Allele origin: germline.

CeGaT Center for Human Genetics Tuebingen
Classification: Likely benign. Last evaluated: 2022-10-01. Review status: criteria provided, single submitter. Criteria: CeGaT Center For Human Genetics Tuebingen Variant Classification Criteria Version 2. Collection method: clinical testing. Allele origin: germline. Affected: yes. Observed: 2 variant alleles.
Comment: CHD2: BP4

NM_001271.4(CHD2):c.3510G>A (p.Leu1170=)

Gene: CHD2 (chromodomain helicase DNA binding protein 2; plus strand). Cytogenetic location: 15q26.1.
Variant type: single nucleotide variant.
Coding change: c.3510G>A on transcript NM_001271.4 (MANE Select); coding-DNA position 3510, G replaced by A.
Protein change: p.Leu1170=; no amino-acid change (leucine 1170 retained).
Molecular consequence: synonymous variant.
Genome position (GRCh38, 1-based): chr15:92,992,913, G>A. VCF-style: chr15-92992913-G-A. GRCh37 (hg19) VCF-style: chr15-93536143-G-A.
Identifiers: ClinVar variation 1133891 (VCV001133891.42), dbSNP rs746728408, ClinGen allele CA7748241.